The following is an entry in ClinVar:

NM_000316.3(PTH1R):c.203G>A (p.Gly68Glu)

Gene: PTH1R (parathyroid hormone 1 receptor; plus strand). Cytogenetic location: 3p21.31.
Variant type: single nucleotide variant.
Coding change: c.203G>A on transcript NM_000316.3 (MANE Select); coding-DNA position 203, G replaced by A.
Protein change: p.Gly68Glu; replaces glycine 68 with glutamic acid.
Molecular consequence: missense variant.
Genome position (GRCh38, 1-based): chr3:46,895,759, G>A. VCF-style: chr3-46895759-G-A. GRCh37 (hg19) VCF-style: chr3-46937249-G-A.
Other names: c.203G>A, p.Gly68Glu (NM_001184744.1); short protein forms G68E.
Identifiers: ClinVar variation 2968542 (VCV002968542.3), dbSNP rs199821001, ClinGen allele CA2359118.

ClinVar aggregate classification (germline): Uncertain significance (1 of 4 stars; one submission).

Allele frequency attached by ClinVar (database versions not stated): TOPMed below 0.00001; ExAC 0.00001; gnomAD exomes 0.00001; gnomAD 0.00001.
gnomAD v4.1: 18 of 1,614,052 alleles (0.0011%); highest among the groups gnomAD compares: Non-Finnish European, 0.0014%; no homozygotes.

Submission:

Labcorp Genetics (formerly Invitae), Labcorp
Classification: Uncertain significance. Last evaluated: 2025-03-17. Review status: criteria provided, single submitter. Criteria: Invitae Variant Classification Sherloc (09022015). Collection method: clinical testing. Allele origin: germline.
Comment: This sequence change replaces glycine, which is neutral and non-polar, with glutamic acid, which is acidic and polar, at codon 68 of the PTH1R protein (p.Gly68Glu). This variant is present in population databases (rs199821001, gnomAD 0.0009%). This variant has not been reported in the literature in individuals affected with PTH1R-related conditions. ClinVar contains an entry for this variant (Variation ID: 2968542). An algorithm developed to predict the effect of missense changes on protein structure and function (PolyPhen-2) suggests that this variant is likely to be tolerated. In summary, the available evidence is currently insufficient to determine the role of this variant in disease. Therefore, it has been classified as a Variant of Uncertain Significance.